The following is an entry in ClinVar:

ClinVar aggregate classification (germline): Pathogenic (1 of 4 stars; one submission).

Conditions:
Mowat-Wilson syndrome (MOWS). Also called: Classic Mowat-Wilson Syndrome. Identifiers: Orphanet 2152, MedGen C1856113, MONDO:0009341, OMIM 235730.

Submission:

Institute of Human Genetics, University of Leipzig Medical Center
Classification: Pathogenic for Mowat-Wilson syndrome. Last evaluated: 2025-07-14. Review status: criteria provided, single submitter. Criteria: ACMG Guidelines, 2015. Collection method: clinical testing. Allele origin: unknown. Inheritance: Autosomal dominant inheritance. Affected: yes.
Comment: Criteria applied: PVS1,PM2

NM_014795.4(ZEB2):c.2293del (p.His765fs)

Gene: ZEB2 (zinc finger E-box binding homeobox 2; minus strand). Cytogenetic location: 2q22.3.
Variant type: Deletion.
Coding change: c.2293del on transcript NM_014795.4 (MANE Select); coding-DNA position 2293, one base deleted (C; older notation c.2293delC).
Protein change: p.His765fs; shifts the reading frame from histidine 765.
Molecular consequence: frameshift variant.
Genome position (GRCh38, 1-based): chr2:144,398,894, G deleted on the plus strand (C on the coding strand, the reverse complement: ZEB2 is on the minus strand); the first of 3 consecutive G bases (chr2:144,398,894-144,398,896); deleting any one gives the same sequence. VCF-style (leftmost placement, unchanged base first): chr2-144398893-TG-T. GRCh37 (hg19) VCF-style: chr2-145156460-TG-T.
Other names: c.2221del, p.His741fs (NM_001171653.2); short protein forms H741fs, H765fs.
Identifiers: ClinVar variation 4082336 (VCV004082336.1).
Genomic context (GRCh38, chr2:144,398,893, plus strand): 5'-GGAGAAGGAGTATTACTCCTGGAGTGGTCCAATTTTTCAACTGGTTTAATATTGGTAAAA[TG>T]GGAAGGTTTTGTTAGCCTGAGAGGAGGATCACAATTCGTAACACTGTTGTGGAGTTCTGC-3'